The following is an entry in ClinVar:

ClinVar aggregate classification (germline): Pathogenic (1 of 4 stars; one submission).

Conditions:
Multiple congenital exostosis (EXT). Also called: Multiple osteochondromas; MULTIPLE CARTILAGINOUS EXOSTOSES; Multiple exostoses; Hereditary multiple exostoses; Hereditary multiple exostosis; Hereditary multiple osteochondromas. Identifiers: Orphanet 321, MedGen C0015306, MONDO:0005508, HP:0002762.

Submission:

Labcorp Genetics (formerly Invitae), Labcorp
Classification: Pathogenic for Multiple congenital exostosis. Last evaluated: 2023-07-25. Review status: criteria provided, single submitter. Criteria: Invitae Variant Classification Sherloc (09022015). Collection method: clinical testing. Allele origin: germline.
Comment: For these reasons, this variant has been classified as Pathogenic. A similar copy number variant has been observed in individual(s) with multiple exostoses (PMID: 15221792, 22382802). This variant is a gross deletion of the genomic region encompassing exon(s) 1 of the EXT1 gene, which includes the initiator codon. This deletion extends beyond the assayed region for this gene and therefore may encompass additional genes. It is expected to result in an absent or disrupted protein product. Loss-of-function variants in EXT1 are known to be pathogenic (PMID: 10679937, 11391482, 19810120).

Literature cited by the submitters: PubMed 15221792; PubMed 22382802; PubMed 10679937; PubMed 11391482; PubMed 19810120.

NC_000008.10:g.(?_119122304)_(119123285_?)del

Gene: EXT1 (exostosin glycosyltransferase 1; minus strand). Cytogenetic location: 8q24.11.
Variant type: Deletion.
Identifiers: ClinVar variation 1398964 (VCV001398964.4).